The following is an entry in ClinVar:

ClinVar aggregate classification (germline): Uncertain significance (1 of 4 stars; one submission).

Conditions:
Hereditary cancer-predisposing syndrome. Also called: Neoplastic Syndromes, Hereditary; Tumor predisposition; Hereditary neoplastic syndrome; Hereditary Cancer Syndrome. Identifiers: Orphanet 140162, MedGen C0027672, MeSH D009386, MONDO:0015356.

Submission:

Ambry Genetics
Classification: Uncertain significance for Hereditary cancer-predisposing syndrome. Last evaluated: 2023-02-26. Review status: criteria provided, single submitter. Criteria: Ambry Variant Classification Scheme 2023. Collection method: clinical testing. Allele origin: germline.
Comment: The p.T1410S variant (also known as c.4228A>T), located in coding exon 10 of the BRCA2 gene, results from an A to T substitution at nucleotide position 4228. The threonine at codon 1410 is replaced by serine, an amino acid with similar properties. This amino acid position is conserved. In addition, this alteration is predicted to be tolerated by in silico analysis. Since supporting evidence is limited at this time, the clinical significance of this alteration remains unclear.

NM_000059.4(BRCA2):c.4228A>T (p.Thr1410Ser)

Gene: BRCA2 (BRCA2 DNA repair associated; plus strand). Cytogenetic location: 13q13.1.
Variant type: single nucleotide variant.
Coding change: c.4228A>T on transcript NM_000059.4 (MANE Select); coding-DNA position 4228, A replaced by T.
Protein change: p.Thr1410Ser; replaces threonine 1410 with serine.
Molecular consequence: missense variant. On other transcripts: non-coding transcript variant (1), intron variant (2).
Genome position (GRCh38, 1-based): chr13:32,338,583, A>T. VCF-style: chr13-32338583-A-T. GRCh37 (hg19) VCF-style: chr13-32912720-A-T.
Other names: c.4228A>T, p.Thr1410Ser (NM_001406719.1, NM_001406720.1); c.1909+5196A>T (NM_001406721.1); c.425-5975A>T (NM_001406722.1); short protein forms T1410S.
Identifiers: ClinVar variation 2451573 (VCV002451573.2), dbSNP rs2137504225, ClinGen allele CA387780339.